The following is an entry in ClinVar:

NM_003289.4(TPM2):c.240T>C (p.Asp80=)

Gene: TPM2 (tropomyosin 2; minus strand). Cytogenetic location: 9p13.3.
Variant type: single nucleotide variant.
Coding change: c.240T>C on transcript NM_003289.4 (MANE Select); coding-DNA position 240, T replaced by C.
Protein change: p.Asp80=; no amino-acid change (aspartic acid 80 retained).
Molecular consequence: synonymous variant.
Genome position (GRCh38, 1-based): chr9:35,689,146, A>G on the plus strand (T>C on the coding strand, the complement: TPM2 is on the minus strand). VCF-style: chr9-35689146-A-G. GRCh37 (hg19) VCF-style: chr9-35689143-A-G.
Other names: c.240T>C, p.Asp80= (NM_001301226.2, NM_001301227.2, NM_213674.1).
Identifiers: ClinVar variation 2673174 (VCV002673174.26), dbSNP rs201145709, ClinGen allele CA5047419.

ClinVar aggregate classification (germline): Conflicting classifications of pathogenicity. Review status: criteria provided, conflicting classifications (1 of 4 stars). 2 submissions from 2 submitters: Uncertain significance (1); Likely benign (1). Last evaluated 2023-11-01.

Conditions:
Arthrogryposis, distal, type 1A. Also called: ARTHROGRYPOSIS MULTIPLEX CONGENITA, DISTAL, TYPE I. Identifiers: Orphanet 1146, MedGen C6022280, MONDO:0007157, OMIM 108120.

Allele frequency attached by ClinVar (database versions not stated): ExAC 0.00001.
gnomAD v4.1: 8 of 1,614,064 alleles (0.0005%); highest among the groups gnomAD compares: Middle Eastern, 0.017%; no homozygotes.

Submissions (2):

CeGaT Center for Human Genetics Tuebingen
Classification: Likely benign. Last evaluated: 2023-11-01. Review status: criteria provided, single submitter. Criteria: CeGaT Center For Human Genetics Tuebingen Variant Classification Criteria Version 2. Collection method: clinical testing. Allele origin: germline. Affected: yes. Observed: 1 variant allele.
Comment: TPM2: BP4, BP7

Labcorp Genetics (formerly Invitae), Labcorp
Classification: Uncertain significance for Digitotalar dysmorphism. Last evaluated: 2023-04-15. Review status: criteria provided, single submitter. Criteria: Invitae Variant Classification Sherloc (09022015). Collection method: clinical testing. Allele origin: germline.
Comment: In summary, the available evidence is currently insufficient to determine the role of this variant in disease. Therefore, it has been classified as a Variant of Uncertain Significance. Algorithms developed to predict the effect of sequence changes on RNA splicing suggest that this variant is not likely to affect RNA splicing. This variant has not been reported in the literature in individuals affected with TPM2-related conditions. This variant is present in population databases (rs201145709, gnomAD 0.006%). This sequence change affects codon 80 of the TPM2 mRNA. It is a 'silent' change, meaning that it does not change the encoded amino acid sequence of the TPM2 protein. It affects a nucleotide within the consensus splice site.